The following is an entry in ClinVar:

NM_001365999.1(SZT2):c.10265C>T (p.Thr3422Ile)

Gene: SZT2 (SZT2 subunit of KICSTOR complex; plus strand). Cytogenetic location: 1p34.2.
Variant type: single nucleotide variant.
Coding change: c.10265C>T on transcript NM_001365999.1 (MANE Select); coding-DNA position 10265, C replaced by T.
Protein change: p.Thr3422Ile; replaces threonine 3422 with isoleucine.
Molecular consequence: missense variant.
Genome position (GRCh38, 1-based): chr1:43,450,446, C>T. VCF-style: chr1-43450446-C-T. GRCh37 (hg19) VCF-style: chr1-43916117-C-T.
Other names: c.10094C>T, p.Thr3365Ile (NM_015284.4); short protein forms T3365I, T3422I.
Identifiers: ClinVar variation 3371034 (VCV003371034.1).
Genomic context (GRCh38, chr1:43,450,446, plus strand): 5'-GCGAGAGCCCCCCTGCCCAACTGGTCTCCACCTACCACCACCTGGAGTCTGTCATCAACA[C>T]AGCCTGTTTCACCCTCTGGACCCGCCTCCTCTGAGGGAGTGGACTGGACCACTGAATGTC-3'
Protein context (NP_001352928.1, residues 3412-3432): TYHHLESVIN[Thr3422Ile]ACFTLWTRLL

ClinVar aggregate classification (germline): Uncertain significance (1 of 4 stars; one submission).

gnomAD v4.1: 2 of 1,614,136 alleles (0.00012%); highest among the groups gnomAD compares: African/African-American, 0.0013%; no homozygotes.

Submission:

GeneDx
Classification: Uncertain significance. Last evaluated: 2024-03-19. Review status: criteria provided, single submitter. Criteria: GeneDx Variant Classification Process June 2021. Collection method: clinical testing. Allele origin: germline. Affected: yes.
Comment: Not observed at significant frequency in large population cohorts (gnomAD); In silico analysis supports that this missense variant does not alter protein structure/function; Has not been previously published as pathogenic or benign to our knowledge